The following is an entry in ClinVar:

ClinVar aggregate classification (germline): Benign. Review status: reviewed by expert panel (3 of 4 stars). 4 submissions from 4 submitters: Benign (1). 3 of the submissions do not count toward it. Last evaluated 2024-05-09.

Conditions:
Complex neurodevelopmental disorder. Identifiers: Orphanet 528084, MedGen C5568766, MONDO:0100038.
Developmental and epileptic encephalopathy, 11 (DEE11). Also called: Early infantile epileptic encephalopathy 11. Identifiers: Orphanet 1934, MedGen C3150987, MONDO:0013388, OMIM 613721.
Seizures, benign familial infantile, 3 (BFIS3). Also called: CONVULSIONS, BENIGN FAMILIAL INFANTILE, 3; Familial neonatal seizures. Identifiers: Orphanet 140927, Orphanet 306, MedGen C1843140, MONDO:0011904, OMIM 607745.

Allele frequency attached by ClinVar (database versions not stated): gnomAD 0.00004 and 0.00007; gnomAD exomes 0.00005 and 0.00013; TOPMed 0.00007; ExAC 0.00012; 1000 Genomes Project 30x 0.00031; 1000 Genomes Project 0.00040.
gnomAD v4.1: 93 of 1,614,058 alleles (0.0058%); highest among the groups gnomAD compares: East Asian, 0.16%; no homozygotes.

Submissions (4):

ClinGen Epilepsy Sodium Channel Variant Curation Expert Panel, Clingen
Classification: Benign for Complex neurodevelopmental disorder. Last evaluated: 2024-05-09. Review status: reviewed by expert panel. Criteria: ClinGen EpilepsySCN ACMG Specifications SCN2A V1.0.0. Collection method: curation. Allele origin: germline. Inheritance: Autosomal dominant inheritance.
Comment: The c.1571G>A variant in SCN2A is a missense variant predicted to cause substitution of Arginine by Glutamine at amino acid 524 (p.Arg524Gln). The highest population minor allele frequency in gnomAD v2.1.1 is 0.1504% (30/19942 alleles) in Asian population, which is higher than the ClinGen Epilepsy Sodium Channel VCEP threshold (0.01%) for BA1, and therefore meets this criterion (BA1). The computational predictor REVEL gives a score of 0.192, evidence that does not predict a damaging effect on SCN2A function (BP4). In summary, this variant meets the criteria to be classified as BENIGN for autosomal dominant complex neurodevelopmental disorder based on the ACMG/AMP criteria applied, as specified by the ClinGen Epilepsy Sodium Channel VCEP: BA1 and BP4. (Version 1; approved 6/13/2023)

Labcorp Genetics (formerly Invitae), Labcorp
Classification: Likely benign for Seizures, benign familial infantile, 3; Developmental and epileptic encephalopathy, 11. Last evaluated: 2025-09-17. Review status: criteria provided, single submitter. Criteria: Invitae Variant Classification Sherloc (09022015). Collection method: clinical testing. Allele origin: germline. Not counted in ClinVar's aggregate classification.

GeneDx
Classification: Benign. Last evaluated: 2021-05-04. Review status: criteria provided, single submitter. Criteria: GeneDx Variant Classification Process June 2021. Collection method: clinical testing. Allele origin: germline. Affected: yes. Not counted in ClinVar's aggregate classification.

Athena Diagnostics
Classification: Benign. Last evaluated: 2017-09-21. Review status: criteria provided, single submitter. Criteria: Athena Diagnostics Criteria. Collection method: clinical testing. Allele origin: germline. Not counted in ClinVar's aggregate classification.

Literature cited by the submitters: PubMed 11371648 (cited by Athena Diagnostics); PubMed 16884893 (cited by Athena Diagnostics); PubMed 19786696 (cited by Athena Diagnostics).

NM_001040142.2(SCN2A):c.1571G>A (p.Arg524Gln)

Gene: SCN2A (sodium voltage-gated channel alpha subunit 2; plus strand). Cytogenetic location: 2q24.3.
Variant type: single nucleotide variant.
Coding change: c.1571G>A on transcript NM_001040142.2 (MANE Select); coding-DNA position 1571, G replaced by A.
Protein change: p.Arg524Gln; replaces arginine 524 with glutamine.
Molecular consequence: missense variant.
Genome position (GRCh38, 1-based): chr2:165,315,658, G>A. VCF-style: chr2-165315658-G-A. GRCh37 (hg19) VCF-style: chr2-166172168-G-A.
Other names: NM_001040142.2(SCN2A):c.1571G>A; p.Arg524Gln; c.1571G>A, p.Arg524Gln (NM_001040143.2, NM_001371246.1, NM_001371247.1 and 1 more transcripts); short protein forms R524Q.
Identifiers: ClinVar variation 464902 (VCV000464902.15), dbSNP rs186154973, ClinGen allele CA1939839.